The following is an entry in ClinVar:

NM_001267550.2(TTN):c.18562A>G (p.Ser6188Gly)

Genes: TTN (titin; minus strand), LOC126806430 (BRD4-independent group 4 enhancer GRCh37_chr2:179593794-179594993; plus strand). Cytogenetic location: 2q31.2.
Variant type: single nucleotide variant.
Coding change: c.18562A>G on transcript NM_001267550.2 (MANE Select); coding-DNA position 18562, A replaced by G.
Protein change: p.Ser6188Gly; replaces serine 6188 with glycine.
Molecular consequence: missense variant. On other transcripts: intron variant (3).
Genome position (GRCh38, 1-based): chr2:178,729,691, T>C on the plus strand (A>G on the coding strand, the complement: TTN is on the minus strand). VCF-style: chr2-178729691-T-C. GRCh37 (hg19) VCF-style: chr2-179594418-T-C.
Other names: c.17611A>G, p.Ser5871Gly (NM_001256850.1); c.14830A>G, p.Ser4944Gly (NM_133378.4); c.13282+8391A>G (NM_003319.4); c.13858+8391A>G (NM_133437.4); c.13657+8391A>G (NM_133432.3); short protein forms S4944G, S5871G, S6188G.
Identifiers: ClinVar variation 4820511 (VCV004820511.2), dbSNP rs781653231.
Genomic context (GRCh38, chr2:178,729,691, plus strand): 5'-AGCCAAAATGGAGAATAGATTCCATTCACGAACCTTTCACTTTGAGTTCAATGCTGCAGC[T>C]CGCCGTGCCTGCGTCATTTCGAGCTTCACACACATAAGTCCCACTATTTTCTACCCTGGC-3'
Protein context (NP_001254479.2, residues 6178-6198): CEARNDAGTA[Ser6188Gly]CSIELKVKEP

ClinVar aggregate classification (germline): Conflicting classifications of pathogenicity. Review status: criteria provided, conflicting classifications (1 of 4 stars). 2 submissions from 2 submitters: Uncertain significance (1); Likely benign (1). Last evaluated 2026-06-29.

Conditions:
TTN-related disorder. Also called: TTN-related disorders; TTN-related condition; TTN-related disease.

gnomAD v4.1: 5 of 1,613,574 alleles (0.00031%); highest among the groups gnomAD compares: African/African-American, 0.0053%; no homozygotes.

Submissions (2):

PreventionGenetics, part of Exact Sciences
Classification: Uncertain significance for TTN-related condition. Last evaluated: 2026-06-29. Review status: criteria provided, single submitter. Criteria: ACMG Guidelines, 2015. Collection method: clinical testing. Allele origin: germline.
Comment: The TTN c.18562A>G variant is predicted to result in the amino acid substitution p.Ser6188Gly. To our knowledge, this variant has not been reported in the literature. This variant is reported in 0.012% of alleles in individuals of African descent in gnomAD. At this time, the clinical significance of this variant is uncertain due to the absence of conclusive functional and genetic evidence.

Molecular Diagnostic Laboratory for Inherited Cardiovascular Disease, Montreal Heart Institute
Classification: Likely benign. Last evaluated: 2026-03-27. Review status: criteria provided, single submitter. Criteria: ACMG Guidelines, 2015. Collection method: clinical testing. Allele origin: germline. Affected: no.
Comment: BP1